The following is an entry in ClinVar:

NM_000202.8(IDS):c.1043_1050del (p.Tyr348fs)

Genes: IDS (iduronate 2-sulfatase; minus strand), LOC106050102 (IDS recombination region; plus strand). Cytogenetic location: Xq28.
Variant type: Deletion.
Coding change: c.1043_1050del on transcript NM_000202.8 (MANE Select); coding-DNA positions 1043 to 1050, 8 bases deleted (ACAGCAAT; older notation c.1043_1050delACAGCAAT).
Protein change: p.Tyr348fs; shifts the reading frame from tyrosine 348.
Molecular consequence: frameshift variant.
Genome position (GRCh38, 1-based): chrX:149,487,055-149,487,062, ATTGCTGT deleted on the plus strand (ACAGCAAT on the coding strand, the reverse complement: IDS is on the minus strand); deleting any 8 consecutive bases within chrX:149,487,055-149,487,065 gives the same sequence; the c. name uses the placement nearest the transcript's 3' end. VCF-style (leftmost placement, unchanged base first): chrX-149487054-AATTGCTGT-A. GRCh37 (hg19) VCF-style: chrX-148568585-AATTGCTGT-A.
Other names: c.773_780del, p.Tyr258fs (NM_001166550.4); short protein forms Y258fs, Y348fs.
Identifiers: ClinVar variation 3255947 (VCV003255947.2).

ClinVar aggregate classification (germline): Pathogenic (1 of 4 stars; one submission).

Conditions:
Mucopolysaccharidosis, MPS-II (MPS2). Also called: Hunter Syndrome; IDURONATE 2-SULFATASE DEFICIENCY; Mucopolysaccharidosis Type II; Mucopolysaccharidosis type 2; Attenuated MPS (subtype; formerly known as mild MPS II); Severe MPS II. Identifiers: Orphanet 580, Orphanet 79388, MedGen C0026705, MONDO:0010674, OMIM 309900.

Submission:

Laboratory of Diagnosis and Therapy of Lysosomal Disorders, University of Padova
Classification: Pathogenic for Mucopolysaccharidosis, MPS-II. Last evaluated: 2024-06-07. Review status: criteria provided, single submitter. Criteria: ACMG Guidelines, 2015. Collection method: literature only. Allele origin: germline. Affected: yes. Observed: 1 variant allele.
Comment: Null variant (PVS1_VeryStrong), Absent from controls (or at low frequency) in gnomAD database (PM2_Moderate), Patient’s phenotype or family history highly specific for the disease (PP4_Moderate)

Classification method: ACMG Guidelines [PMID:25741868] with modifications

Literature cited by the submitters: PubMed 12655569; PubMed 21291454.